The following is an entry in ClinVar:

NM_004119.3(FLT3):c.1597+8A>G

Gene: FLT3 (fms related receptor tyrosine kinase 3; minus strand). Cytogenetic location: 13q12.2.
Variant type: single nucleotide variant.
Coding change: c.1597+8A>G on transcript NM_004119.3 (MANE Select); 8 bases into the intron after coding-DNA position 1597, A replaced by G.
Molecular consequence: intron variant.
Genome position (GRCh38, 1-based): chr13:28,035,487, T>C on the plus strand (A>G on the coding strand, the complement: FLT3 is on the minus strand). VCF-style: chr13-28035487-T-C. GRCh37 (hg19) VCF-style: chr13-28609624-T-C.
Identifiers: ClinVar variation 781984 (VCV000781984.21), dbSNP rs111404906, ClinGen allele CA6928621.

ClinVar aggregate classification (germline): Likely benign. Review status: criteria provided, multiple submitters, no conflicts (2 of 4 stars). 2 submissions from 2 submitters: Likely benign (2). Last evaluated 2024-07-01.

Allele frequency attached by ClinVar (database versions not stated): gnomAD 0.00006; ESP Exome Variant Server 0.00023; TOPMed 0.00034; gnomAD exomes 0.00038; ExAC 0.00042.
gnomAD v4.1: 388 of 1,608,616 alleles (0.024%); highest among the groups gnomAD compares: Middle Eastern, 0.58%; no homozygotes.

Submissions (2):

CeGaT Center for Human Genetics Tuebingen
Classification: Likely benign. Last evaluated: 2024-07-01. Review status: criteria provided, single submitter. Criteria: CeGaT Center For Human Genetics Tuebingen Variant Classification Criteria Version 2. Collection method: clinical testing. Allele origin: germline. Affected: yes. Observed: 1 variant allele.
Comment: FLT3: BP4

Labcorp Genetics (formerly Invitae), Labcorp
Classification: Likely benign. Last evaluated: 2018-07-18. Review status: criteria provided, single submitter. Criteria: Invitae Variant Classification Sherloc (09022015). Collection method: clinical testing. Allele origin: germline.